The following is an entry in ClinVar:

NM_003070.5(SMARCA2):c.2531G>A (p.Arg844Gln)

Gene: SMARCA2 (SWI/SNF related BAF chromatin remodeling complex subunit ATPase 2; plus strand). Cytogenetic location: 9p24.3.
Variant type: single nucleotide variant.
Coding change: c.2531G>A on transcript NM_003070.5 (MANE Select); coding-DNA position 2531, G replaced by A.
Protein change: p.Arg844Gln; replaces arginine 844 with glutamine.
Molecular consequence: missense variant.
Genome position (GRCh38, 1-based): chr9:2,086,833, G>A. VCF-style: chr9-2086833-G-A. GRCh37 (hg19) VCF-style: chr9-2086833-G-A.
Other names: c.2531G>A, p.Arg844Gln (NM_001289396.2, NM_001289397.2, NM_139045.4); short protein forms R844Q.
Identifiers: ClinVar variation 3236010 (VCV003236010.1), dbSNP rs2537344137, ClinGen allele CA372784796.

ClinVar aggregate classification (germline): Likely pathogenic (1 of 4 stars; one submission).

Conditions:
Nicolaides-Baraitser syndrome (NCBRS). Also called: SMARCA2-Related Nicolaides-Baraitser Syndrome; Intellectual disability-sparse hair-brachydactyly syndrome. Identifiers: Orphanet 3051, MedGen C1303073, MONDO:0011053, OMIM 601358.

Submission:

MVZ Medizinische Genetik Mainz
Classification: Likely pathogenic for Nicolaides-Baraitser syndrome. Last evaluated: 2023-10-10. Review status: criteria provided, single submitter. Criteria: UK Practice Guidelines For Variant Classification V4 01 2020. Collection method: clinical testing. Allele origin: germline. Inheritance: Autosomal dominant inheritance. Affected: yes. Observed: 1 variant allele.
Comment: ACMG Criteria: PM1,PM2_SUP,PP2